The following is an entry in ClinVar:

ClinVar aggregate classification (germline): Uncertain significance. Review status: criteria provided, multiple submitters, no conflicts (2 of 4 stars). 3 submissions from 3 submitters: Uncertain significance (3). Last evaluated 2025-04-12.

Conditions:
Hereditary cancer-predisposing syndrome. Also called: Tumor predisposition; Neoplastic Syndromes, Hereditary; Hereditary Cancer Syndrome; Hereditary neoplastic syndrome. Identifiers: Orphanet 140162, MedGen C0027672, MeSH D009386, MONDO:0015356.
Neuroblastoma, susceptibility to, 3. Also called: ALK-Related Neuroblastic Tumor Susceptibility. Identifiers: Orphanet 635, MedGen C2751681, MONDO:0013083, OMIM 613014.

Allele frequency attached by ClinVar (database versions not stated): TOPMed below 0.00001.
gnomAD v4.1: 3 of 1,612,598 alleles (0.00019%); highest among the groups gnomAD compares: Non-Finnish European, 0.00025%; no homozygotes.

Submissions (3):

Ambry Genetics
Classification: Uncertain significance for Hereditary cancer-predisposing syndrome. Last evaluated: 2025-04-12. Review status: criteria provided, single submitter. Criteria: Ambry Variant Classification Scheme 2023. Collection method: clinical testing. Allele origin: germline.
Comment: The p.R65C variant (also known as c.193C>T), located in coding exon 1 of the ALK gene, results from a C to T substitution at nucleotide position 193. The arginine at codon 65 is replaced by cysteine, an amino acid with highly dissimilar properties. This amino acid position is conserved. In addition, this alteration is predicted to be deleterious by in silico analysis. Based on the available evidence, the clinical significance of this variant remains unclear.

Labcorp Genetics (formerly Invitae), Labcorp
Classification: Uncertain significance for Neuroblastoma, susceptibility to, 3. Last evaluated: 2023-08-04. Review status: criteria provided, single submitter. Criteria: Invitae Variant Classification Sherloc (09022015). Collection method: clinical testing. Allele origin: germline.
Comment: In summary, the available evidence is currently insufficient to determine the role of this variant in disease. Therefore, it has been classified as a Variant of Uncertain Significance. An algorithm developed to predict the effect of missense changes on protein structure and function (PolyPhen-2) suggests that this variant is likely to be tolerated. ClinVar contains an entry for this variant (Variation ID: 1063961). This variant has not been reported in the literature in individuals affected with ALK-related conditions. This variant is not present in population databases (gnomAD no frequency). This sequence change replaces arginine, which is basic and polar, with cysteine, which is neutral and slightly polar, at codon 65 of the ALK protein (p.Arg65Cys).

Baylor Genetics
Classification: Uncertain significance for Neuroblastoma, susceptibility to, 3. Last evaluated: 2023-05-10. Review status: criteria provided, single submitter. Criteria: ACMG Guidelines, 2015. Collection method: clinical testing. Allele origin: unknown.

NM_004304.5(ALK):c.193C>T (p.Arg65Cys)

Gene: ALK (ALK receptor tyrosine kinase; minus strand). Cytogenetic location: 2p23.1.
Variant type: single nucleotide variant.
Coding change: c.193C>T on transcript NM_004304.5 (MANE Select); coding-DNA position 193, C replaced by T.
Protein change: p.Arg65Cys; replaces arginine 65 with cysteine.
Molecular consequence: missense variant.
Genome position (GRCh38, 1-based): chr2:29,920,467, G>A on the plus strand (C>T on the coding strand, the complement: ALK is on the minus strand). VCF-style: chr2-29920467-G-A. GRCh37 (hg19) VCF-style: chr2-30143333-G-A.
Other names: c.193C>T (NM_004304.4); short protein forms R65C.
Identifiers: ClinVar variation 1063961 (VCV001063961.11), dbSNP rs1343353214, ClinGen allele CA346590509.